The following is an entry in ClinVar:

ClinVar aggregate classification (germline): Uncertain significance (1 of 4 stars; one submission).

Conditions:
Aortic aneurysm, familial thoracic 7 (AAT7). Also called: AORTIC DISSECTION, FAMILIAL, WITH OR WITHOUT AORTIC ANEURYSM. Identifiers: MedGen C3151077, MONDO:0013418, OMIM 613780.

gnomAD v4.1: 1 of 1,613,914 alleles (0.000062%); highest among the groups gnomAD compares: Non-Finnish European, 0.000085%; no homozygotes.

Submission:

Labcorp Genetics (formerly Invitae), Labcorp
Classification: Uncertain significance for Aortic aneurysm, familial thoracic 7. Last evaluated: 2024-07-06. Review status: criteria provided, single submitter. Criteria: Invitae Variant Classification Sherloc (09022015). Collection method: clinical testing. Allele origin: germline.
Comment: This sequence change replaces glutamic acid, which is acidic and polar, with glycine, which is neutral and non-polar, at codon 505 of the MYLK protein (p.Glu505Gly). This variant is not present in population databases (gnomAD no frequency). This variant has not been reported in the literature in individuals affected with MYLK-related conditions. An algorithm developed to predict the effect of missense changes on protein structure and function (PolyPhen-2) suggests that this variant is likely to be tolerated. In summary, the available evidence is currently insufficient to determine the role of this variant in disease. Therefore, it has been classified as a Variant of Uncertain Significance.

NM_053025.4(MYLK):c.1514A>G (p.Glu505Gly)

Gene: MYLK (myosin light chain kinase; minus strand). Cytogenetic location: 3q21.1.
Variant type: single nucleotide variant.
Coding change: c.1514A>G on transcript NM_053025.4 (MANE Select); coding-DNA position 1514, A replaced by G.
Protein change: p.Glu505Gly; replaces glutamic acid 505 with glycine.
Molecular consequence: missense variant. On other transcripts: intron variant (2).
Genome position (GRCh38, 1-based): chr3:123,732,898, T>C on the plus strand (A>G on the coding strand, the complement: MYLK is on the minus strand). VCF-style: chr3-123732898-T-C. GRCh37 (hg19) VCF-style: chr3-123451745-T-C.
Other names: c.986A>G, p.Glu329Gly (NM_001321309.2); c.1514A>G, p.Glu505Gly (NM_053027.4); c.1309+789A>G (NM_053028.4, NM_053026.4); short protein forms E329G, E505G.
Identifiers: ClinVar variation 3658921 (VCV003658921.2).